The following is an entry in ClinVar:

ClinVar aggregate classification (germline): Benign (1 of 4 stars; one submission).

Conditions:
Leigh syndrome (NULS). Also called: Leigh's necrotizing encephalopathy; Leigh's disease; Leigh's syndrome; LEIGH SYNDROME, NUCLEAR; Leigh Syndrome (mtDNA deletion); Leigh Disease. Identifiers: Orphanet 506, MedGen C2931891, MONDO:0009723, OMIM 256000.

Submission:

Wong Mito Lab, Molecular and Human Genetics, Baylor College of Medicine
Classification: Benign for Leigh syndrome. Last evaluated: 2019-10-17. Review status: criteria provided, single submitter. Criteria: Modified ACMG Guidelines (Unpublished). Collection method: clinical testing. Allele origin: germline.
Comment: The NC_012920.1:m.15747T>C (YP_003024038.1:p.Ile334Thr) variant in MTCYB gene is interpretated to be a Benign variant based on the modified ACMG guidelines (unpublished). This variant meets the following evidence codes: BS1, BS4, BP4

NC_012920.1(MT-CYB):m.15747T>C

Gene: MT-CYB (mitochondrially encoded cytochrome b; plus strand).
Variant type: single nucleotide variant.
Genome position: chrM-15747-T-C.
Identifiers: ClinVar variation 693945 (VCV000693945.1), dbSNP rs1603225457, ClinGen allele CA913174728.